The following is an entry in ClinVar:

NM_001267550.2(TTN):c.42336T>C (p.Asn14112=)

Gene: TTN (titin; minus strand). Cytogenetic location: 2q31.2.
Variant type: single nucleotide variant.
Coding change: c.42336T>C on transcript NM_001267550.2 (MANE Select); coding-DNA position 42336, T replaced by C.
Protein change: p.Asn14112=; no amino-acid change (asparagine 14112 retained).
Molecular consequence: synonymous variant.
Genome position (GRCh38, 1-based): chr2:178,634,445, A>G on the plus strand (T>C on the coding strand, the complement: TTN is on the minus strand). VCF-style: chr2-178634445-A-G. GRCh37 (hg19) VCF-style: chr2-179499172-A-G.
Other names: c.37413T>C, p.Asn12471= (NM_001256850.1); c.15141T>C, p.Asn5047= (NM_003319.4); c.34632T>C, p.Asn11544= (NM_133378.4); c.15516T>C, p.Asn5172= (NM_133432.3); c.15717T>C, p.Asn5239= (NM_133437.4).
Identifiers: ClinVar variation 1133104 (VCV001133104.12), dbSNP rs778310352, ClinGen allele CA1996098.
Genomic context (GRCh38, chr2:178,634,445, plus strand): 5'-TGAGGTCTTCTTGCCCTCCACCTCAGCAGTATAGACCCCTTCATCATCAAATTGAGAATC[A>G]TTAATAACAAGAATATGTTTCTTTCCATCAGCGATGATATCAAATTTGTCAGATGACTTA-3'
Protein context (NP_001254479.2, residues 14102-14122): ADGKKHILVI[Asn14112=]DSQFDDEGVY

ClinVar aggregate classification (germline): Likely benign. Review status: criteria provided, multiple submitters, no conflicts (2 of 4 stars). 3 submissions from 3 submitters: Likely benign (2). 1 of the submissions does not count toward it. Last evaluated 2026-01-13.

Conditions:
Dilated cardiomyopathy 1G (CMD1G). Identifiers: Orphanet 154, MedGen C1858763, MONDO:0011400, OMIM 604145.
Autosomal recessive limb-girdle muscular dystrophy type 2J (LGMDR10). Also called: Limb-girdle muscular dystrophy, type 2J; MUSCULAR DYSTROPHY, LIMB-GIRDLE, AUTOSOMAL RECESSIVE 10. Identifiers: Orphanet 140922, MedGen C1837342, MONDO:0012127, OMIM 608807.
TTN-related disorder. Also called: TTN-related condition; TTN-related disease; TTN-related disorders.

Allele frequency attached by ClinVar (database versions not stated): gnomAD exomes below 0.00001; ExAC 0.00001; gnomAD 0.00002 and 0.00003; TOPMed 0.00002.
gnomAD v4.1: 4 of 1,613,082 alleles (0.00025%); highest among the groups gnomAD compares: African/African-American, 0.0027%; no homozygotes.

Submissions (3):

Labcorp Genetics (formerly Invitae), Labcorp
Classification: Likely benign for Dilated cardiomyopathy 1G; Autosomal recessive limb-girdle muscular dystrophy type 2J. Last evaluated: 2026-01-13. Review status: criteria provided, single submitter. Criteria: Invitae Variant Classification Sherloc (09022015). Collection method: clinical testing. Allele origin: germline.

Blueprint Genetics
Classification: Likely benign. Last evaluated: 2020-03-30. Review status: criteria provided, single submitter. Criteria: ACMG Guidelines, 2015. Collection method: clinical testing. Allele origin: germline.

PreventionGenetics, part of Exact Sciences
Classification: Likely benign for TTN-related condition. Last evaluated: 2019-09-18. Review status: no assertion criteria provided. Collection method: clinical testing. Allele origin: germline. Not counted in ClinVar's aggregate classification.
Comment: This variant is classified as likely benign based on ACMG/AMP sequence variant interpretation guidelines (Richards et al. 2015 PMID: 25741868, with internal and published modifications).